The following is an entry in ClinVar:

NM_001123385.2(BCOR):c.3305T>C (p.Val1102Ala)

Gene: BCOR (BCL6 corepressor; minus strand). Cytogenetic location: Xp11.4.
Variant type: single nucleotide variant.
Coding change: c.3305T>C on transcript NM_001123385.2 (MANE Select); coding-DNA position 3305, T replaced by C.
Protein change: p.Val1102Ala; replaces valine 1102 with alanine.
Molecular consequence: missense variant.
Genome position (GRCh38, 1-based): chrX:40,064,533, A>G on the plus strand (T>C on the coding strand, the complement: BCOR is on the minus strand). VCF-style: chrX-40064533-A-G. GRCh37 (hg19) VCF-style: chrX-39923786-A-G.
Other names: c.3305T>C, p.Val1102Ala (NM_001123383.2, NM_017745.6); c.3251T>C, p.Val1084Ala (NM_001123384.2); short protein forms V1102A, V1084A.
Identifiers: ClinVar variation 210520 (VCV000210520.16), dbSNP rs111622737, ClinGen allele CA207363.
Genomic context (GRCh38, chrX:40,064,533, plus strand): 5'-GAGGCCACCTGGTCTGCGGGAGGCTCGCTCACAGGCTGCCTCTCCACAAAGTACTTCTCC[A>G]CAGGAAGATCTTTGTCCTCTGGGGCTTCAAAGGGATCACGGTGCTTGTTTCCAACACTAT-3'
Protein context (NP_001116857.1, residues 1092-1112): FEAPEDKDLP[Val1102Ala]EKYFVERQPV

ClinVar aggregate classification (germline): Conflicting classifications of pathogenicity. Review status: criteria provided, conflicting classifications (1 of 4 stars). 4 submissions from 4 submitters: Uncertain significance (1); Likely benign (2). 1 of the submissions does not count toward it. Last evaluated 2025-11-26.

Conditions:
BCOR-related disorder. Also called: BCOR-related disorders; BCOR-related condition.
Oculofaciocardiodental syndrome (MCOPS2). Identifiers: Orphanet 2712, MedGen C1846265, MONDO:0010261, OMIM 300166.
Inborn genetic diseases. Identifiers: MedGen C0950123, MeSH D030342.

Allele frequency attached by ClinVar (database versions not stated): TOPMed 0.00017; 1000 Genomes Project 30x 0.00021.
gnomAD v4.1: 45 of 1,210,388 alleles (0.0037%); highest among the groups gnomAD compares: African/African-American, 0.075%; no homozygotes.

Submissions (4):

Ambry Genetics
Classification: Likely benign for Inborn genetic diseases. Last evaluated: 2025-11-26. Review status: criteria provided, single submitter. Criteria: Ambry Variant Classification Scheme 2023. Collection method: clinical testing. Allele origin: germline.

Labcorp Genetics (formerly Invitae), Labcorp
Classification: Likely benign for Oculofaciocardiodental syndrome. Last evaluated: 2024-07-23. Review status: criteria provided, single submitter. Criteria: Invitae Variant Classification Sherloc (09022015). Collection method: clinical testing. Allele origin: germline.

Genetic Services Laboratory, University of Chicago
Classification: Uncertain significance. Last evaluated: 2015-05-12. Review status: criteria provided, single submitter. Criteria: ACMG Guidelines, 2015. Collection method: clinical testing. Allele origin: germline.

PreventionGenetics, part of Exact Sciences
Classification: Likely benign for BCOR-related condition. Last evaluated: 2022-02-15. Review status: no assertion criteria provided. Collection method: clinical testing. Allele origin: germline. Not counted in ClinVar's aggregate classification.
Comment: This variant is classified as likely benign based on ACMG/AMP sequence variant interpretation guidelines (Richards et al. 2015 PMID: 25741868, with internal and published modifications).